The following is an entry in ClinVar:

ClinVar aggregate classification (germline): Uncertain significance. Review status: criteria provided, multiple submitters, no conflicts (2 of 4 stars). 3 submissions from 3 submitters: Uncertain significance (3). Last evaluated 2025-06-02.

Conditions:
Lethal Kniest-like syndrome (DDSH). Also called: Dyssegmental Dysplasia. Identifiers: Orphanet 1865, MedGen C1857100, MONDO:0009140, OMIM 224410.
Schwartz-Jampel syndrome type 1 (SJS1). Also called: MYOTONIC MYOPATHY, DWARFISM, CHONDRODYSTROPHY, AND OCULAR AND FACIAL ABNORMALITIES; CHONDRODYSTROPHIC MYOTONIA. Identifiers: MedGen C4551479, MONDO:0100435, OMIM 255800.
Inborn genetic diseases. Identifiers: MedGen C0950123, MeSH D030342.

Allele frequency attached by ClinVar (database versions not stated): gnomAD exomes 0.00001 and 0.00005; gnomAD 0.00004 and 0.00005; TOPMed 0.00004; ExAC 0.00007; 1000 Genomes Project 30x 0.00016; 1000 Genomes Project 0.00020.
gnomAD v4.1: 24 of 1,614,054 alleles (0.0015%); highest among the groups gnomAD compares: East Asian, 0.051%; no homozygotes.

Submissions (3):

Labcorp Genetics (formerly Invitae), Labcorp
Classification: Uncertain significance. Last evaluated: 2025-06-02. Review status: criteria provided, single submitter. Criteria: Invitae Variant Classification Sherloc (09022015). Collection method: clinical testing. Allele origin: germline.
Comment: This sequence change replaces serine, which is neutral and polar, with cysteine, which is neutral and slightly polar, at codon 253 of the HSPG2 protein (p.Ser253Cys). This variant is present in population databases (rs181945618, gnomAD 0.07%). This variant has not been reported in the literature in individuals affected with HSPG2-related conditions. ClinVar contains an entry for this variant (Variation ID: 295908). An algorithm developed to predict the effect of missense changes on protein structure and function (PolyPhen-2) suggests that this variant is likely to be tolerated. In summary, the available evidence is currently insufficient to determine the role of this variant in disease. Therefore, it has been classified as a Variant of Uncertain Significance.

Fulgent Genetics
Classification: Uncertain significance for Lethal Kniest-like syndrome; Schwartz-Jampel syndrome type 1. Last evaluated: 2022-04-07. Review status: criteria provided, single submitter. Criteria: ACMG Guidelines, 2015. Collection method: clinical testing. Allele origin: unknown.

Ambry Genetics
Classification: Uncertain significance for Inborn genetic diseases. Last evaluated: 2021-07-20. Review status: criteria provided, single submitter. Criteria: Ambry Variant Classification Scheme 2023. Collection method: clinical testing. Allele origin: germline.

NM_005529.7(HSPG2):c.758C>G (p.Ser253Cys)

Gene: HSPG2 (heparan sulfate proteoglycan 2; minus strand). Cytogenetic location: 1p36.12.
Variant type: single nucleotide variant.
Coding change: c.758C>G on transcript NM_005529.7 (MANE Select); coding-DNA position 758, C replaced by G.
Protein change: p.Ser253Cys; replaces serine 253 with cysteine.
Molecular consequence: missense variant.
Genome position (GRCh38, 1-based): chr1:21,887,620, G>C on the plus strand (C>G on the coding strand, the complement: HSPG2 is on the minus strand). VCF-style: chr1-21887620-G-C. GRCh37 (hg19) VCF-style: chr1-22214113-G-C.
Other names: c.758C>G, p.Ser253Cys (NM_001291860.2); short protein forms S253C.
Identifiers: ClinVar variation 295908 (VCV000295908.16), dbSNP rs181945618, ClinGen allele CA673713.